The following is an entry in ClinVar:

NM_201631.4(TGM5):c.946G>A (p.Glu316Lys)

Gene: TGM5 (transglutaminase 5; minus strand). Cytogenetic location: 15q15.2.
Variant type: single nucleotide variant.
Coding change: c.946G>A on transcript NM_201631.4 (MANE Select); coding-DNA position 946, G replaced by A.
Protein change: p.Glu316Lys; replaces glutamic acid 316 with lysine.
Molecular consequence: missense variant.
Genome position (GRCh38, 1-based): chr15:43,240,907, C>T on the plus strand (G>A on the coding strand, the complement: TGM5 is on the minus strand). VCF-style: chr15-43240907-C-T. GRCh37 (hg19) VCF-style: chr15-43533105-C-T.
Other names: c.700G>A, p.Glu234Lys (NM_004245.4); short protein forms E316K, E234K.
Identifiers: ClinVar variation 452022 (VCV000452022.2), dbSNP rs137896238, ClinGen allele CA7521142.

ClinVar aggregate classification (germline): Uncertain significance (1 of 4 stars; one submission).

Allele frequency attached by ClinVar (database versions not stated): gnomAD exomes 0.00001 and 0.00002; gnomAD 0.00002 and 0.00003; ExAC 0.00003; TOPMed 0.00003; ESP Exome Variant Server 0.00015.
gnomAD v4.1: 25 of 1,614,056 alleles (0.0015%); highest among the groups gnomAD compares: Non-Finnish European, 0.002%; no homozygotes.

Submission:

GeneDx
Classification: Uncertain significance. Last evaluated: 2017-09-21. Review status: criteria provided, single submitter. Criteria: GeneDx Variant Classification (06012015). Collection method: clinical testing. Allele origin: germline. Affected: yes.
Comment: The E316K variant in the TGM5 gene has not been reported previously as a pathogenic variant, nor as a benign variant, to our knowledge. This variant is not observed at a significant frequency in large population cohorts (Lek et al., 2016; 1000 Genomes Consortium et al., 2015; Exome Variant Server). The E316K variant is a non-conservative amino acid substitution, which is likely to impact secondary protein structure as these residues differ in polarity, charge, size and/or other properties. In addition, this substitution occurs at a position that is conserved across mammalian species. However, in silico analysis is inconsistent in its predictions as to whether or not the variant is damaging to the protein structure/function. We interpret E316K as a variant of uncertain significance.